The following is an entry in ClinVar:

NM_001364857.2(ADGRB2):c.32A>G (p.His11Arg)

Gene: ADGRB2 (adhesion G protein-coupled receptor B2; minus strand). Cytogenetic location: 1p35.2.
Variant type: single nucleotide variant.
Coding change: c.32A>G on transcript NM_001364857.2 (MANE Select); coding-DNA position 32, A replaced by G.
Protein change: p.His11Arg; replaces histidine 11 with arginine.
Molecular consequence: missense variant.
Genome position (GRCh38, 1-based): chr1:31,756,805, T>C on the plus strand (A>G on the coding strand, the complement: ADGRB2 is on the minus strand). VCF-style: chr1-31756805-T-C. GRCh37 (hg19) VCF-style: chr1-32222406-T-C.
Other names: c.32A>G, p.His11Arg (NM_001294335.2, NM_001294336.2, NM_001703.2); short protein forms H11R.
Identifiers: ClinVar variation 1983032 (VCV001983032.4), dbSNP rs769091100, ClinGen allele CA736220.

ClinVar aggregate classification (germline): Uncertain significance (1 of 4 stars; one submission).

Allele frequency attached by ClinVar (database versions not stated): gnomAD 0.00003; gnomAD exomes 0.00006; ExAC 0.00011; 1000 Genomes Project 30x 0.00016.

Submission:

Labcorp Genetics (formerly Invitae), Labcorp
Classification: Uncertain significance. Last evaluated: 2022-09-29. Review status: criteria provided, single submitter. Criteria: Invitae Variant Classification Sherloc (09022015). Collection method: clinical testing. Allele origin: germline.
Comment: In summary, the available evidence is currently insufficient to determine the role of this variant in disease. Therefore, it has been classified as a Variant of Uncertain Significance. Algorithms developed to predict the effect of missense changes on protein structure and function are either unavailable or do not agree on the potential impact of this missense change (SIFT: "Tolerated"; PolyPhen-2: "Possibly Damaging"; Align-GVGD: "Class C0"). This variant has not been reported in the literature in individuals affected with ADGRB2-related conditions. This variant is not present in population databases (gnomAD no frequency). This sequence change replaces histidine, which is basic and polar, with arginine, which is basic and polar, at codon 11 of the ADGRB2 protein (p.His11Arg).